The following is an entry in ClinVar:

NM_017636.4(TRPM4):c.3393C>G (p.Asn1131Lys)

Gene: TRPM4 (transient receptor potential cation channel subfamily M member 4; plus strand). Cytogenetic location: 19q13.33.
Variant type: single nucleotide variant.
Coding change: c.3393C>G on transcript NM_017636.4 (MANE Select); coding-DNA position 3393, C replaced by G.
Protein change: p.Asn1131Lys; replaces asparagine 1131 with lysine.
Molecular consequence: missense variant.
Genome position (GRCh38, 1-based): chr19:49,210,774, C>G. VCF-style: chr19-49210774-C-G. GRCh37 (hg19) VCF-style: chr19-49714031-C-G.
Other names: c.2958C>G, p.Asn986Lys (NM_001195227.2); c.3048C>G, p.Asn1016Lys (NM_001321281.2); c.1785C>G, p.Asn595Lys (NM_001321282.2); c.2871C>G, p.Asn957Lys (NM_001321283.2); c.2331C>G, p.Asn777Lys (NM_001321285.2); short protein forms N1016K, N1131K, N957K, N595K, N777K, N986K.
Identifiers: ClinVar variation 2312194 (VCV002312194.5), dbSNP rs1352568609, ClinGen allele CA406773117.
Genomic context (GRCh38, chr19:49,210,774, plus strand): 5'-TTACCTTTCTAAGGAAGCCGAGCGGAAGCTGCTAACGTGGGAATCGGTGCATAAGGAGAA[C>G]TTTCTGCTGGCACGCGCTAGGGACAAGCGGGAGAGCGACTCCGAGCGTCTGAAGCGCACG-3'
Protein context (NP_060106.2, residues 1121-1141): LLTWESVHKE[Asn1131Lys]FLLARARDKR

ClinVar aggregate classification (germline): Uncertain significance. Review status: criteria provided, multiple submitters, no conflicts (2 of 4 stars). 2 submissions from 2 submitters: Uncertain significance (2). Last evaluated 2023-04-28.

Conditions:
Cardiovascular phenotype. Identifiers: MedGen CN230736.
Progressive familial heart block type IB (PFHB1B). Identifiers: Orphanet 871, MedGen C1970298, MONDO:0011474, OMIM 604559.

Allele frequency attached by ClinVar (database versions not stated): gnomAD exomes below 0.00001; TOPMed below 0.00001; gnomAD 0.00002.
gnomAD v4.1: 4 of 1,613,984 alleles (0.00025%); highest among the groups gnomAD compares: African/African-American, 0.0053%; no homozygotes.

Submissions (2):

Labcorp Genetics (formerly Invitae), Labcorp
Classification: Uncertain significance for Progressive familial heart block type IB. Last evaluated: 2023-04-28. Review status: criteria provided, single submitter. Criteria: Invitae Variant Classification Sherloc (09022015). Collection method: clinical testing. Allele origin: germline.
Comment: This variant has not been reported in the literature in individuals affected with TRPM4-related conditions. In summary, the available evidence is currently insufficient to determine the role of this variant in disease. Therefore, it has been classified as a Variant of Uncertain Significance. An algorithm developed to predict the effect of missense changes on protein structure and function (PolyPhen-2) suggests that this variant is likely to be disruptive. ClinVar contains an entry for this variant (Variation ID: 2312194). This variant is present in population databases (no rsID available, gnomAD 0.01%). This sequence change replaces asparagine, which is neutral and polar, with lysine, which is basic and polar, at codon 1131 of the TRPM4 protein (p.Asn1131Lys).

Ambry Genetics
Classification: Uncertain significance for Cardiovascular phenotype. Last evaluated: 2022-09-14. Review status: criteria provided, single submitter. Criteria: Ambry Variant Classification Scheme 2023. Collection method: clinical testing. Allele origin: germline.